The following is an entry in ClinVar:

ClinVar aggregate classification (germline): Conflicting classifications of pathogenicity. Review status: criteria provided, conflicting classifications (1 of 4 stars). 3 submissions from 3 submitters: Uncertain significance (2); Likely benign (1). Last evaluated 2026-05-21.

Conditions:
LRP5-related disorder. Also called: LRP5-related condition.

Allele frequency attached by ClinVar (database versions not stated): gnomAD 0.00001; TOPMed 0.00002.
gnomAD v4.1: 9 of 1,612,754 alleles (0.00056%); highest among the groups gnomAD compares: African/African-American, 0.012%; no homozygotes.

Submissions (3):

PreventionGenetics, part of Exact Sciences
Classification: Uncertain significance for LRP5-related condition. Last evaluated: 2026-05-21. Review status: criteria provided, single submitter. Criteria: ACMG Guidelines, 2015. Collection method: clinical testing. Allele origin: germline.
Comment: The LRP5 c.943A>G variant is predicted to result in the amino acid substitution p.Ser315Gly. To our knowledge, this variant has not been reported in the literature. This variant is reported in 0.012% of alleles in individuals of African descent in gnomAD. At this time, the clinical significance of this variant is uncertain due to the absence of conclusive functional and genetic evidence.

CeGaT Center for Human Genetics Tuebingen
Classification: Likely benign. Last evaluated: 2024-01-01. Review status: criteria provided, single submitter. Criteria: CeGaT Center For Human Genetics Tuebingen Variant Classification Criteria Version 2. Collection method: clinical testing. Allele origin: germline. Affected: yes. Observed: 1 variant allele.
Comment: LRP5: BP4

Labcorp Genetics (formerly Invitae), Labcorp
Classification: Uncertain significance. Last evaluated: 2022-12-18. Review status: criteria provided, single submitter. Criteria: Invitae Variant Classification Sherloc (09022015). Collection method: clinical testing. Allele origin: germline.
Comment: In summary, the available evidence is currently insufficient to determine the role of this variant in disease. Therefore, it has been classified as a Variant of Uncertain Significance. Advanced modeling of protein sequence and biophysical properties (such as structural, functional, and spatial information, amino acid conservation, physicochemical variation, residue mobility, and thermodynamic stability) performed at Invitae indicates that this missense variant is not expected to disrupt LRP5 protein function. This variant has not been reported in the literature in individuals affected with LRP5-related conditions. This variant is present in population databases (no rsID available, gnomAD 0.01%). This sequence change replaces serine, which is neutral and polar, with glycine, which is neutral and non-polar, at codon 315 of the LRP5 protein (p.Ser315Gly).

NM_002335.4(LRP5):c.943A>G (p.Ser315Gly)

Gene: LRP5 (LDL receptor related protein 5; plus strand). Cytogenetic location: 11q13.2.
Variant type: single nucleotide variant.
Coding change: c.943A>G on transcript NM_002335.4 (MANE Select); coding-DNA position 943, A replaced by G.
Protein change: p.Ser315Gly; replaces serine 315 with glycine.
Molecular consequence: missense variant. On other transcripts: 5 prime UTR variant (1).
Genome position (GRCh38, 1-based): chr11:68,365,630, A>G. VCF-style: chr11-68365630-A-G. GRCh37 (hg19) VCF-style: chr11-68133098-A-G.
Other names: c.-823A>G (NM_001291902.2); c.943A>G (NM_002335.3); short protein forms S315G.
Identifiers: ClinVar variation 2134125 (VCV002134125.27), dbSNP rs1394646742, ClinGen allele CA381611467.